The following is an entry in ClinVar:

ClinVar aggregate classification (germline): Uncertain significance (1 of 4 stars; one submission).

Conditions:
Cardiovascular phenotype. Identifiers: MedGen CN230736.

Submission:

Ambry Genetics
Classification: Uncertain significance for Cardiovascular phenotype. Last evaluated: 2023-12-22. Review status: criteria provided, single submitter. Criteria: Ambry Variant Classification Scheme 2023. Collection method: clinical testing. Allele origin: germline.
Comment: The c.1716A>G variant (also known as p.K572K), located in coding exon 30 of the TRDN gene, results from an A to G substitution at nucleotide position 1716. This nucleotide substitution does not change the lysine at codon 572. This nucleotide position is well conserved in available vertebrate species. In silico splice site analysis for this alteration is inconclusive. Since supporting evidence is limited at this time, the clinical significance of this alteration remains unclear.

NM_006073.4(TRDN):c.1716A>G (p.Lys572=)

Gene: TRDN (triadin; minus strand). Cytogenetic location: 6q22.31.
Variant type: single nucleotide variant.
Coding change: c.1716A>G on transcript NM_006073.4 (MANE Select); coding-DNA position 1716, A replaced by G.
Protein change: p.Lys572=; no amino-acid change (lysine 572 retained).
Molecular consequence: synonymous variant.
Genome position (GRCh38, 1-based): chr6:123,271,143, T>C on the plus strand (A>G on the coding strand, the complement: TRDN is on the minus strand). VCF-style: chr6-123271143-T-C. GRCh37 (hg19) VCF-style: chr6-123592288-T-C.
Identifiers: ClinVar variation 3225240 (VCV003225240.1), dbSNP rs2533554318, ClinGen allele CA452054651.